The following is an entry in ClinVar:

NM_001458.5(FLNC):c.4298T>A (p.Phe1433Tyr)

Gene: FLNC (filamin C; plus strand). Cytogenetic location: 7q32.1.
Variant type: single nucleotide variant.
Coding change: c.4298T>A on transcript NM_001458.5 (MANE Select); coding-DNA position 4298, T replaced by A.
Protein change: p.Phe1433Tyr; replaces phenylalanine 1433 with tyrosine.
Molecular consequence: missense variant.
Genome position (GRCh38, 1-based): chr7:128,847,706, T>A. VCF-style: chr7-128847706-T-A. GRCh37 (hg19) VCF-style: chr7-128487760-T-A.
Other names: c.4298T>A, p.Phe1433Tyr (NM_001127487.2); c.4298T>A (NM_001458.4); short protein forms F1433Y.
Identifiers: ClinVar variation 1504889 (VCV001504889.11), dbSNP rs2128937234, ClinGen allele CA369201076.

ClinVar aggregate classification (germline): Uncertain significance. Review status: criteria provided, multiple submitters, no conflicts (2 of 4 stars). 4 submissions from 4 submitters: Uncertain significance (4). Last evaluated 2025-03-31.

Conditions:
Cardiovascular phenotype. Identifiers: MedGen CN230736.
Myofibrillar myopathy 5. Also called: Filaminopathy (type); FILAMINOPATHY, AUTOSOMAL DOMINANT. Identifiers: Orphanet 171445, MedGen C1836050, MONDO:0012289, OMIM 609524.
Hypertrophic cardiomyopathy 26. Also called: Cardiomyopathy, familial hypertrophic, 26. Identifiers: Orphanet 75249, MedGen C4310749, MONDO:0014883, OMIM 617047.
Distal myopathy with posterior leg and anterior hand involvement. Also called: WILLIAMS DISTAL MYOPATHY. Identifiers: Orphanet 63273, MedGen C3279722, MONDO:0013550, OMIM 614065.

Allele frequency attached by ClinVar (database versions not stated): gnomAD exomes below 0.00001.
gnomAD v4.1: 1 of 1,614,022 alleles (0.000062%); highest among the groups gnomAD compares: Non-Finnish European, 0.000085%; no homozygotes.

Submissions (4):

Labcorp Genetics (formerly Invitae), Labcorp
Classification: Uncertain significance for Distal myopathy with posterior leg and anterior hand involvement; Myofibrillar myopathy 5; Hypertrophic cardiomyopathy 26. Last evaluated: 2025-03-31. Review status: criteria provided, single submitter. Criteria: Invitae Variant Classification Sherloc (09022015). Collection method: clinical testing. Allele origin: germline.
Comment: This sequence change replaces phenylalanine, which is neutral and non-polar, with tyrosine, which is neutral and polar, at codon 1433 of the FLNC protein (p.Phe1433Tyr). This variant is not present in population databases (gnomAD no frequency). This variant has not been reported in the literature in individuals affected with FLNC-related conditions. ClinVar contains an entry for this variant (Variation ID: 1504889). Invitae Evidence Modeling of protein sequence and biophysical properties (such as structural, functional, and spatial information, amino acid conservation, physicochemical variation, residue mobility, and thermodynamic stability) has been performed for this missense variant. However, the output from this modeling did not meet the statistical confidence thresholds required to predict the impact of this variant on FLNC protein function. In summary, the available evidence is currently insufficient to determine the role of this variant in disease. Therefore, it has been classified as a Variant of Uncertain Significance.

Ambry Genetics
Classification: Uncertain significance for Cardiovascular phenotype. Last evaluated: 2024-08-06. Review status: criteria provided, single submitter. Criteria: Ambry Variant Classification Scheme 2023. Collection method: clinical testing. Allele origin: germline.
Comment: The p.F1433Y variant (also known as c.4298T>A), located in coding exon 25 of the FLNC gene, results from a T to A substitution at nucleotide position 4298. The phenylalanine at codon 1433 is replaced by tyrosine, an amino acid with highly similar properties. This amino acid position is highly conserved in available vertebrate species. In addition, this alteration is predicted to be deleterious by in silico analysis. Based on the available evidence, the clinical significance of this variant remains unclear.

Blueprint Genetics
Classification: Uncertain significance. Last evaluated: 2023-11-01. Review status: criteria provided, single submitter. Criteria: ACMG Guidelines, 2015. Collection method: clinical testing. Allele origin: germline.

Clinical Genetics Laboratory, Skane University Hospital Lund
Classification: Uncertain significance. Last evaluated: 2023-06-20. Review status: criteria provided, single submitter. Criteria: ACMG Guidelines, 2015. Collection method: clinical testing. Allele origin: germline. Affected: yes.